The following is an entry in ClinVar:

ClinVar aggregate classification (germline): Uncertain significance. Review status: criteria provided, multiple submitters, no conflicts (2 of 4 stars). 2 submissions from 2 submitters: Uncertain significance (2). Last evaluated 2024-06-26.

Conditions:
Inborn genetic diseases. Identifiers: MedGen C0950123, MeSH D030342.

Allele frequency attached by ClinVar (database versions not stated): gnomAD 0.00001; TOPMed 0.00001; gnomAD exomes below 0.00001.
gnomAD v4.1: 5 of 1,614,022 alleles (0.00031%); highest among the groups gnomAD compares: Non-Finnish European, 0.00042%; no homozygotes.

Submissions (2):

Ambry Genetics
Classification: Uncertain significance for Inborn genetic diseases. Last evaluated: 2024-06-26. Review status: criteria provided, single submitter. Criteria: Ambry Variant Classification Scheme 2023. Collection method: clinical testing. Allele origin: germline.

Labcorp Genetics (formerly Invitae), Labcorp
Classification: Uncertain significance. Last evaluated: 2021-08-11. Review status: criteria provided, single submitter. Criteria: Invitae Variant Classification Sherloc (09022015). Collection method: clinical testing. Allele origin: germline.
Comment: This sequence change replaces proline with arginine at codon 227 of the COL7A1 protein (p.Pro227Arg). The proline residue is moderately conserved and there is a moderate physicochemical difference between proline and arginine. This variant is not present in population databases (ExAC no frequency). This variant has not been reported in the literature in individuals affected with COL7A1-related conditions. Algorithms developed to predict the effect of missense changes on protein structure and function are either unavailable or do not agree on the potential impact of this missense change (SIFT: "Deleterious"; PolyPhen-2: "Not Available"; Align-GVGD: "Class C0"). In summary, the available evidence is currently insufficient to determine the role of this variant in disease. Therefore, it has been classified as a Variant of Uncertain Significance.

NM_000094.4(COL7A1):c.680C>G (p.Pro227Arg)

Gene: COL7A1 (collagen type VII alpha 1 chain; minus strand). Cytogenetic location: 3p21.31.
Variant type: single nucleotide variant.
Coding change: c.680C>G on transcript NM_000094.4 (MANE Select); coding-DNA position 680, C replaced by G.
Protein change: p.Pro227Arg; replaces proline 227 with arginine.
Molecular consequence: missense variant.
Genome position (GRCh38, 1-based): chr3:48,593,104, G>C on the plus strand (C>G on the coding strand, the complement: COL7A1 is on the minus strand). VCF-style: chr3-48593104-G-C. GRCh37 (hg19) VCF-style: chr3-48630537-G-C.
Other names: c.680C>G (NM_000094.3); short protein forms P227R.
Identifiers: ClinVar variation 1491769 (VCV001491769.4), dbSNP rs1450480489, ClinGen allele CA352742972.